The following is an entry in ClinVar:

NM_018180.3(DHX32):c.570A>C (p.Arg190Ser)

Gene: DHX32 (DEAH-box helicase 32 (putative); minus strand). Cytogenetic location: 10q26.2.
Variant type: single nucleotide variant.
Coding change: c.570A>C on transcript NM_018180.3 (MANE Select); coding-DNA position 570, A replaced by C.
Protein change: p.Arg190Ser; replaces arginine 190 with serine.
Molecular consequence: missense variant.
Genome position (GRCh38, 1-based): chr10:125,859,882, T>G on the plus strand (A>C on the coding strand, the complement: DHX32 is on the minus strand). VCF-style: chr10-125859882-T-G. GRCh37 (hg19) VCF-style: chr10-127548451-T-G.
Other names: short protein forms R190S.
Identifiers: ClinVar variation 2799981 (VCV002799981.3), dbSNP rs1309133767, ClinGen allele CA378678972.
Genomic context (GRCh38, chr10:125,859,882, plus strand): 5'-TTCTGGTCTTGCTAGTAAAACATCTTTAAGAAGTCCAAGTAACACATCAGTTGCAATGCT[T>G]CTTTCATGAATATCATCTAAGATGATGACCCCATAGCTACCCAAAAAAGGATTGGACATC-3'
Protein context (NP_060650.2, residues 180-200): GVIILDDIHE[Arg190Ser]SIATDVLLGL

ClinVar aggregate classification (germline): Uncertain significance (1 of 4 stars; one submission).

Allele frequency attached by ClinVar (database versions not stated): gnomAD 0.00001; gnomAD exomes 0.00001; TOPMed 0.00001.
gnomAD v4.1: 13 of 1,613,974 alleles (0.00081%); highest among the groups gnomAD compares: Non-Finnish European, 0.0011%; no homozygotes.

Submission:

Labcorp Genetics (formerly Invitae), Labcorp
Classification: Uncertain significance. Last evaluated: 2022-12-04. Review status: criteria provided, single submitter. Criteria: Invitae Variant Classification Sherloc (09022015). Collection method: clinical testing. Allele origin: germline.
Comment: In summary, the available evidence is currently insufficient to determine the role of this variant in disease. Therefore, it has been classified as a Variant of Uncertain Significance. Algorithms developed to predict the effect of missense changes on protein structure and function are either unavailable or do not agree on the potential impact of this missense change (SIFT: "Deleterious"; PolyPhen-2: "Benign"; Align-GVGD: "Class C65"). This variant has not been reported in the literature in individuals affected with DHX32-related conditions. This variant is present in population databases (no rsID available, gnomAD 0.003%). This sequence change replaces arginine, which is basic and polar, with serine, which is neutral and polar, at codon 190 of the DHX32 protein (p.Arg190Ser).